The following is an entry in ClinVar:

ClinVar aggregate classification (germline): Uncertain significance (1 of 4 stars; one submission).

Conditions:
Early-infantile DEE. Also called: Early infantile epileptic encephalopathy with suppression bursts; Early infantile epileptic encephalopathy; Ohtahara syndrome. Identifiers: Orphanet 1934, MedGen C0393706, MONDO:0800491.

Submission:

Labcorp Genetics (formerly Invitae), Labcorp
Classification: Uncertain significance for Early-infantile DEE. Last evaluated: 2022-10-19. Review status: criteria provided, single submitter. Criteria: Invitae Variant Classification Sherloc (09022015). Collection method: clinical testing. Allele origin: germline.
Comment: This variant is not present in population databases (gnomAD no frequency). This variant has not been reported in the literature in individuals affected with SCN1A-related conditions. Advanced modeling of protein sequence and biophysical properties (such as structural, functional, and spatial information, amino acid conservation, physicochemical variation, residue mobility, and thermodynamic stability) performed at Invitae indicates that this missense variant is expected to disrupt SCN1A protein function. In summary, the available evidence is currently insufficient to determine the role of this variant in disease. Therefore, it has been classified as a Variant of Uncertain Significance. This sequence change replaces phenylalanine, which is neutral and non-polar, with valine, which is neutral and non-polar, at codon 1223 of the SCN1A protein (p.Phe1223Val).

NM_001165963.4(SCN1A):c.3667T>G (p.Phe1223Val)

Genes: SCN1A (sodium voltage-gated channel alpha subunit 1; minus strand), LOC102724058 (uncharacterized LOC102724058; plus strand). Cytogenetic location: 2q24.3.
Variant type: single nucleotide variant.
Coding change: c.3667T>G on transcript NM_001165963.4 (MANE Select); coding-DNA position 3667, T replaced by G.
Protein change: p.Phe1223Val; replaces phenylalanine 1223 with valine.
Molecular consequence: missense variant. On other transcripts: non-coding transcript variant (1).
Genome position (GRCh38, 1-based): chr2:166,013,782, A>C on the plus strand (T>G on the coding strand, the complement: SCN1A is on the minus strand). VCF-style: chr2-166013782-A-C. GRCh37 (hg19) VCF-style: chr2-166870292-A-C.
Other names: c.3583T>G, p.Phe1195Val (NM_001165964.3, NM_001353957.2, NM_001353958.2); c.3667T>G, p.Phe1223Val (NM_001202435.3, NM_001353948.2); c.3634T>G, p.Phe1212Val (NM_001353949.2, NM_001353950.2, NM_001353951.2 and 2 more transcripts); c.3631T>G, p.Phe1211Val (NM_001353954.2, NM_001353955.2); c.3580T>G, p.Phe1194Val (NM_001353960.2); c.1225T>G, p.Phe409Val (NM_001353961.2); short protein forms F1194V, F1195V, F1211V, F1212V, F1223V, F409V.
Identifiers: ClinVar variation 1721341 (VCV001721341.5), dbSNP rs2468531186, ClinGen allele CA349055876.